The following is an entry in ClinVar:

NM_001005361.3(DNM2):c.2322C>A (p.Ser774Arg)

Gene: DNM2 (dynamin 2; plus strand). Cytogenetic location: 19p13.2.
Variant type: single nucleotide variant.
Coding change: c.2322C>A on transcript NM_001005361.3 (MANE Select); coding-DNA position 2322, C replaced by A.
Protein change: p.Ser774Arg; replaces serine 774 with arginine.
Molecular consequence: missense variant.
Genome position (GRCh38, 1-based): chr19:10,830,157, C>A. VCF-style: chr19-10830157-C-A. GRCh37 (hg19) VCF-style: chr19-10940833-C-A.
Other names: c.2322C>A, p.Ser774Arg (NM_001005360.3, NM_001190716.2); c.2310C>A, p.Ser770Arg (NM_001005362.3, NM_004945.4); short protein forms S770R, S774R.
Identifiers: ClinVar variation 3345735 (VCV003345735.1).

ClinVar aggregate classification (germline): Uncertain significance (0 of 4 stars; one submission).

Conditions:
DNM2-related disorder. Also called: DNM2-related condition.

Submission:

PreventionGenetics, part of Exact Sciences
Classification: Uncertain significance for DNM2-related condition. Last evaluated: 2024-06-27. Review status: no assertion criteria provided. Collection method: clinical testing. Allele origin: germline.
Comment: The DNM2 c.2322C>A variant is predicted to result in the amino acid substitution p.Ser774Arg. To our knowledge, this variant has not been reported in the literature or in a large population database, indicating this variant is rare. At this time, the clinical significance of this variant is uncertain due to the absence of conclusive functional and genetic evidence.